The following is an entry in ClinVar:

NM_001374385.1(ATP8B1):c.2529A>C (p.Glu843Asp)

Genes: ATP8B1 (ATPase phospholipid transporting 8B1; minus strand), ATP8B1-AS1 (ATP8B1 antisense RNA 1; plus strand). Cytogenetic location: 18q21.31.
Variant type: single nucleotide variant.
Coding change: c.2529A>C on transcript NM_001374385.1 (MANE Select); coding-DNA position 2529, A replaced by C.
Protein change: p.Glu843Asp; replaces glutamic acid 843 with aspartic acid.
Molecular consequence: missense variant.
Genome position (GRCh38, 1-based): chr18:57,661,352, T>G on the plus strand (A>C on the coding strand, the complement: ATP8B1 is on the minus strand). VCF-style: chr18-57661352-T-G. GRCh37 (hg19) VCF-style: chr18-55328584-T-G.
Other names: c.2379A>C, p.Glu793Asp (NM_001374386.1); c.2529A>C, p.Glu843Asp (NM_005603.6); short protein forms E843D, E793D.
Identifiers: ClinVar variation 3974175 (VCV003974175.2).

ClinVar aggregate classification (germline): Uncertain significance. Review status: criteria provided, multiple submitters, no conflicts (2 of 4 stars). 2 submissions from 2 submitters: Uncertain significance (2). Last evaluated 2025-05-29.

Conditions:
ATP8B1-related disorder. Also called: ATP8B1-related condition; ATP8B1-related disorders.
Inborn genetic diseases. Identifiers: MedGen C0950123, MeSH D030342.

gnomAD v4.1: 11 of 1,613,922 alleles (0.00068%); highest among the groups gnomAD compares: Middle Eastern, 0.016%; no homozygotes.

Submissions (2):

PreventionGenetics, part of Exact Sciences
Classification: Uncertain significance for ATP8B1-related condition. Last evaluated: 2025-05-29. Review status: criteria provided, single submitter. Criteria: ACMG Guidelines, 2015. Collection method: clinical testing. Allele origin: germline.
Comment: The ATP8B1 c.2529A>C variant is predicted to result in the amino acid substitution p.Glu843Asp. To our knowledge, this variant has not been reported in the literature. This variant is reported in 0.011% of alleles in individuals of African descent in gnomAD. At this time, the clinical significance of this variant is uncertain due to the absence of conclusive functional and genetic evidence.

Ambry Genetics
Classification: Uncertain significance for Inborn genetic diseases. Last evaluated: 2025-04-03. Review status: criteria provided, single submitter. Criteria: Ambry Variant Classification Scheme 2023. Collection method: clinical testing. Allele origin: germline.